The following is an entry in ClinVar:

ClinVar aggregate classification (germline): Uncertain significance (1 of 4 stars; one submission).

Submission:

Labcorp Genetics (formerly Invitae), Labcorp
Classification: Uncertain significance. Last evaluated: 2025-02-20. Review status: criteria provided, single submitter. Criteria: Invitae Variant Classification Sherloc (09022015). Collection method: clinical testing. Allele origin: germline.
Comment: This variant, c.298_309del, results in the deletion of 4 amino acid(s) of the SERPING1 protein (p.Ile100_Thr103del), but otherwise preserves the integrity of the reading frame. The frequency data for this variant in the population databases is considered unreliable, as metrics indicate poor data quality at this position in the gnomAD database. This variant has not been reported in the literature in individuals affected with SERPING1-related conditions. ClinVar contains an entry for this variant (Variation ID: 1397025). Experimental studies and prediction algorithms are not available or were not evaluated, and the functional significance of this variant is currently unknown. In summary, the available evidence is currently insufficient to determine the role of this variant in disease. Therefore, it has been classified as a Variant of Uncertain Significance.

NM_000062.3(SERPING1):c.298_309del (p.Ile100_Thr103del)

Gene: SERPING1 (serpin family G member 1; plus strand). Cytogenetic location: 11q12.1.
Variant type: Deletion.
Coding change: c.298_309del on transcript NM_000062.3 (MANE Select); coding-DNA positions 298 to 309, 12 bases deleted (ATCCAACCCACC).
Protein change: p.Ile100_Thr103del.
Molecular consequence: inframe deletion.
Genome position (GRCh38, 1-based): chr11:57,600,125-57,600,136, ATCCAACCCACC deleted; deleting any 12 consecutive bases within chr11:57,600,115-57,600,136 gives the same sequence; the c. name uses the placement nearest the transcript's 3' end. VCF-style (leftmost placement, unchanged base first): chr11-57600114-CCCAACCCACCAT-C. GRCh37 (hg19) VCF-style: chr11-57367587-CCCAACCCACCAT-C.
Other names: c.298_309del, p.Ile100_Thr103del (NM_001032295.2).
Identifiers: ClinVar variation 1397025 (VCV001397025.6), dbSNP rs756935216, ClinGen allele CA6008016.